The following is an entry in ClinVar:

NM_014780.5(CUL7):c.1090G>A (p.Ala364Thr)

Gene: CUL7 (cullin 7; minus strand). Cytogenetic location: 6p21.1.
Variant type: single nucleotide variant.
Coding change: c.1090G>A on transcript NM_014780.5 (MANE Select); coding-DNA position 1090, G replaced by A.
Protein change: p.Ala364Thr; replaces alanine 364 with threonine.
Molecular consequence: missense variant.
Genome position (GRCh38, 1-based): chr6:43,051,111, C>T on the plus strand (G>A on the coding strand, the complement: CUL7 is on the minus strand). VCF-style: chr6-43051111-C-T. GRCh37 (hg19) VCF-style: chr6-43018849-C-T.
Other names: c.1186G>A, p.Ala396Thr (NM_001168370.2, NM_001374872.1); c.1090G>A, p.Ala364Thr (NM_001374873.1, NM_001374874.1); short protein forms A364T, A396T.
Identifiers: ClinVar variation 2656572 (VCV002656572.24), dbSNP rs765324522, ClinGen allele CA3814238.

ClinVar aggregate classification (germline): Uncertain significance (1 of 4 stars; one submission).

Allele frequency attached by ClinVar (database versions not stated): gnomAD 0.00001; TOPMed 0.00001.
gnomAD v4.1: 22 of 1,614,200 alleles (0.0014%); highest among the groups gnomAD compares: Middle Eastern, 0.016%; no homozygotes.

Submission:

CeGaT Center for Human Genetics Tuebingen
Classification: Uncertain significance. Last evaluated: 2022-09-01. Review status: criteria provided, single submitter. Criteria: CeGaT Center For Human Genetics Tuebingen Variant Classification Criteria Version 2. Collection method: clinical testing. Allele origin: germline. Affected: yes. Observed: 1 variant allele.
Comment: CUL7: PM2, BP4